The following is an entry in ClinVar:

NM_016222.4(DDX41):c.935+9T>G

Gene: DDX41 (DEAD-box helicase 41; minus strand). Cytogenetic location: 5q35.3.
Variant type: single nucleotide variant.
Coding change: c.935+9T>G on transcript NM_016222.4 (MANE Select); 9 bases into the intron after coding-DNA position 935, T replaced by G.
Molecular consequence: intron variant.
Genome position (GRCh38, 1-based): chr5:177,514,692, A>C on the plus strand (T>G on the coding strand, the complement: DDX41 is on the minus strand). VCF-style: chr5-177514692-A-C. GRCh37 (hg19) VCF-style: chr5-176941693-A-C.
Other names: c.935+9T>G (NM_016222.3); c.557+9T>G (NM_001321830.2, NM_001321732.2).
Identifiers: ClinVar variation 2919574 (VCV002919574.6), dbSNP rs534811902, ClinGen allele CA3584979.

ClinVar aggregate classification (germline): Benign/Likely benign. Review status: criteria provided, multiple submitters, no conflicts (2 of 4 stars). 3 submissions from 3 submitters: Benign (1); Likely benign (1). 1 of the submissions does not count toward it. Last evaluated 2026-01-02.

Conditions:
DDX41-related disorder. Also called: DDX41-related condition.

Allele frequency attached by ClinVar (database versions not stated): gnomAD 0.00004; gnomAD exomes 0.00006; TOPMed 0.00006; ExAC 0.00014.
gnomAD v4.1: 98 of 1,606,390 alleles (0.0061%); highest among the groups gnomAD compares: Middle Eastern, 0.033%; no homozygotes.

Submissions (3):

Labcorp Genetics (formerly Invitae), Labcorp
Classification: Benign. Last evaluated: 2026-01-02. Review status: criteria provided, single submitter. Criteria: Invitae Variant Classification Sherloc (09022015). Collection method: clinical testing. Allele origin: germline.

Blueprint Genetics
Classification: Likely benign. Last evaluated: 2024-09-17. Review status: criteria provided, single submitter. Criteria: ACMG Guidelines, 2015. Collection method: clinical testing. Allele origin: germline.

PreventionGenetics, part of Exact Sciences
Classification: Likely benign for DDX41-related condition. Last evaluated: 2023-02-01. Review status: no assertion criteria provided. Collection method: clinical testing. Allele origin: germline. Not counted in ClinVar's aggregate classification.
Comment: This variant is classified as likely benign based on ACMG/AMP sequence variant interpretation guidelines (Richards et al. 2015 PMID: 25741868, with internal and published modifications).